The following is an entry in ClinVar:

NM_005639.3(SYT1):c.361G>A (p.Asp121Asn)

Gene: SYT1 (synaptotagmin 1; plus strand). Cytogenetic location: 12q21.2.
Variant type: single nucleotide variant.
Coding change: c.361G>A on transcript NM_005639.3 (MANE Select); coding-DNA position 361, G replaced by A.
Protein change: p.Asp121Asn; replaces aspartic acid 121 with asparagine.
Molecular consequence: missense variant.
Genome position (GRCh38, 1-based): chr12:79,292,017, G>A. VCF-style: chr12-79292017-G-A. GRCh37 (hg19) VCF-style: chr12-79685797-G-A.
Other names: c.361G>A, p.Asp121Asn (NM_001135805.2, NM_001135806.2, NM_001415938.1 and 2 more transcripts); c.352G>A, p.Asp118Asn (NM_001291901.2, NM_001415941.1, NM_001415942.1 and 1 more transcripts); short protein forms D118N, D121N.
Identifiers: ClinVar variation 2317417 (VCV002317417.2), dbSNP rs1483471349, ClinGen allele CA385929272.

ClinVar aggregate classification (germline): Uncertain significance (1 of 4 stars; one submission).

Conditions:
Inborn genetic diseases. Identifiers: MedGen C0950123, MeSH D030342.

Submission:

Ambry Genetics
Classification: Uncertain significance for Inborn genetic diseases. Last evaluated: 2022-10-06. Review status: criteria provided, single submitter. Criteria: Ambry Variant Classification Scheme 2023. Collection method: clinical testing. Allele origin: germline.
Comment: The c.361G>A (p.D121N) alteration is located in exon 7 (coding exon 3) of the SYT1 gene. This alteration results from a G to A substitution at nucleotide position 361, causing the aspartic acid (D) at amino acid position 121 to be replaced by an asparagine (N). This variant was not reported in population-based cohorts in the Genome Aggregation Database (gnomAD). This amino acid position is well conserved in available vertebrate species. This alteration is predicted to be tolerated by in silico analysis. Based on insufficient or conflicting evidence, the clinical significance of this alteration remains unclear.